The following is an entry in ClinVar:

ClinVar aggregate classification (germline): Uncertain significance. Review status: criteria provided, multiple submitters, no conflicts (2 of 4 stars). 8 submissions from 8 submitters: Uncertain significance (8). Last evaluated 2025-10-28.

Conditions:
Hereditary nonpolyposis colorectal neoplasms. Identifiers: MedGen C0009405, MeSH D003123.
Hereditary cancer-predisposing syndrome. Also called: Hereditary neoplastic syndrome; Neoplastic Syndromes, Hereditary; Hereditary Cancer Syndrome; Tumor predisposition. Identifiers: Orphanet 140162, MedGen C0027672, MeSH D009386, MONDO:0015356.
Lynch syndrome. Identifiers: Orphanet 144, MedGen C4552100, MONDO:0005835. Disease mechanism: loss of function.
Lynch syndrome 4 (LYNCH4). Also called: Colorectal cancer, hereditary nonpolyposis, type 4; Hereditary non-polyposis colorectal cancer, type 4. Identifiers: Orphanet 144, MedGen C1838333, MONDO:0013699, OMIM 614337. Disease mechanism: loss of function.

Allele frequency attached by ClinVar (database versions not stated): gnomAD exomes below 0.00001; ExAC 0.00001; gnomAD 0.00005 and 0.00006.
gnomAD v4.1: 25 of 1,614,082 alleles (0.0015%); highest among the groups gnomAD compares: Non-Finnish European, 0.0012%; no homozygotes.

Submissions (8):

Labcorp Genetics (formerly Invitae), Labcorp
Classification: Uncertain significance for Hereditary nonpolyposis colorectal neoplasms. Last evaluated: 2025-10-28. Review status: criteria provided, single submitter. Criteria: Invitae Variant Classification Sherloc (09022015). Collection method: clinical testing. Allele origin: germline.
Comment: This sequence change replaces glutamic acid, which is acidic and polar, with aspartic acid, which is acidic and polar, at codon 411 of the PMS2 protein (p.Glu411Asp). This variant is present in population databases (rs587780040, gnomAD 0.008%). This variant has not been reported in the literature in individuals affected with PMS2-related conditions. ClinVar contains an entry for this variant (Variation ID: 127755). Invitae Evidence Modeling incorporating data from in vitro experimental studies (internal data) indicates that this missense variant is not expected to disrupt PMS2 function with a negative predictive value of 95%. In summary, the available evidence is currently insufficient to determine the role of this variant in disease. Therefore, it has been classified as a Variant of Uncertain Significance.

Ambry Genetics
Classification: Uncertain significance for Hereditary cancer-predisposing syndrome. Last evaluated: 2024-09-27. Review status: criteria provided, single submitter. Criteria: Ambry Variant Classification Scheme 2023. Collection method: clinical testing. Allele origin: germline.
Comment: The p.E411D variant (also known as c.1233A>T), located in coding exon 11 of the PMS2 gene, results from an A to T substitution at nucleotide position 1233. The glutamic acid at codon 411 is replaced by aspartic acid, an amino acid with highly similar properties. This alteration was detected in a study of 1,165 individuals with a history of colorectal cancer or colon polyps as well as 590 controls (Gordon AS et al. Am J Hum Genet, 2019 09;105:526-533). This amino acid position is not well conserved in available vertebrate species. In addition, this alteration is predicted to be tolerated by in silico analysis. Since supporting evidence is limited at this time, the clinical significance of this alteration remains unclear.

All of Us Research Program, National Institutes of Health
Classification: Uncertain significance for Lynch syndrome. Last evaluated: 2024-09-23. Review status: criteria provided, single submitter. Criteria: ACMG Guidelines, 2015. Collection method: clinical testing. Allele origin: germline. Inheritance: Autosomal dominant inheritance. Observed: 2 variant alleles, 2 heterozygotes.
Comment: This missense variant replaces glutamic acid with aspartic acid at codon 411 of the PMS2 protein. Computational prediction suggests that this variant may not impact protein structure and function (internally defined REVEL score threshold <= 0.5, PMID: 27666373). To our knowledge, functional studies have not been reported for this variant. This variant has not been reported in individuals affected with PMS2-related disorders in the literature. This variant has been identified in 7/282328 chromosomes in the general population by the Genome Aggregation Database (gnomAD). The available evidence is insufficient to determine the role of this variant in disease conclusively. Therefore, this variant is classified as a Variant of Uncertain Significance.

This study involves interpretation of variants in research participants for the purpose of population health screening. Participant phenotype was not available at the time of variant classification. Additional details can be found in publication PMID: 35346344, PMCID: PMC8962531

Color Diagnostics, LLC DBA Color Health
Classification: Uncertain significance for Hereditary cancer-predisposing syndrome. Last evaluated: 2024-07-18. Review status: criteria provided, single submitter. Criteria: ACMG Guidelines, 2015. Collection method: clinical testing. Allele origin: germline.
Comment: This missense variant replaces glutamic acid with aspartic acid at codon 411 of the PMS2 protein. Computational prediction suggests that this variant may not impact protein structure and function (internally defined REVEL score threshold <= 0.5, PMID: 27666373). To our knowledge, functional studies have not been reported for this variant. This variant has not been reported in individuals affected with PMS2-related disorders in the literature. This variant has been identified in 7/282328 chromosomes in the general population by the Genome Aggregation Database (gnomAD). The available evidence is insufficient to determine the role of this variant in disease conclusively. Therefore, this variant is classified as a Variant of Uncertain Significance.

Baylor Genetics
Classification: Uncertain significance for Lynch syndrome 4. Last evaluated: 2024-02-02. Review status: criteria provided, single submitter. Criteria: ACMG Guidelines, 2015. Collection method: clinical testing. Allele origin: unknown.

PreventionGenetics, part of Exact Sciences
Classification: Uncertain significance. Last evaluated: 2017-09-22. Review status: criteria provided, single submitter. Criteria: ACMG Guidelines, 2015. Collection method: clinical testing. Allele origin: germline.

Laboratory for Molecular Medicine, Mass General Brigham Personalized Medicine
Classification: Uncertain significance. Last evaluated: 2016-12-28. Review status: criteria provided, single submitter. Criteria: LMM Criteria. Collection method: clinical testing. Allele origin: germline. Observed: 1 variant allele.
Comment: The p.Glu411Asp variant in PMS2 has not been previously reported in individuals with Lynch syndrome, but has been identified in 1/66182 of European chromosomes by the Exome Aggregation Consortium (ExAC; dbSNP rs587780040). Computational prediction tools and conservation analysis suggest that the p.Glu411Asp variant may not impact the protein, though this information is not predictive enough to rule out pathogenicity. In summary, the clinical si gnificance of the p.Glu411Asp variant is uncertain.

GeneDx
Classification: Uncertain significance. Last evaluated: 2014-02-10. Review status: criteria provided, single submitter. Criteria: GeneDx Variant Classification (06012015). Collection method: clinical testing. Allele origin: germline. Affected: yes.
Comment: This variant is denoted PMS2 c.1233A>T at the cDNA level, p.Glu411Asp (E411D) at the protein level, and results in the change of a Glutamic Acid to an Aspartic Acid (GAA>GAT). This variant has not, to our knowledge, been published in the literature as pathogenic or benign. PMS2 Glu411Asp was not observed in approximately 6,500 individuals of European and African American ancestry in the NHLBI Exome Sequencing Project. This variant is a conservative amino acid substitution, altering a position that is conserved throughout evolution and is not located in a known functional domain. In silico analyses predict this variant to have a benign effect on protein structure and function. Based on the currently available information, we consider PMS2 Glu411Asp to be a variant of uncertain significance.

Literature cited by the submitters: PubMed 31422818 (cited by Ambry Genetics).

NM_000535.7(PMS2):c.1233A>T (p.Glu411Asp)

Gene: PMS2 (PMS1 homolog 2, mismatch repair system component; minus strand). Cytogenetic location: 7p22.1.
Variant type: single nucleotide variant.
Coding change: c.1233A>T on transcript NM_000535.7 (MANE Select); coding-DNA position 1233, A replaced by T.
Protein change: p.Glu411Asp; replaces glutamic acid 411 with aspartic acid.
Molecular consequence: missense variant. On other transcripts: non-coding transcript variant (1).
Genome position (GRCh38, 1-based): chr7:5,987,532, T>A on the plus strand (A>T on the coding strand, the complement: PMS2 is on the minus strand). VCF-style: chr7-5987532-T-A. GRCh37 (hg19) VCF-style: chr7-6027163-T-A.
Other names: c.828A>T, p.Glu276Asp (NM_001322003.2, NM_001322004.2, NM_001322005.2 and 1 more transcripts); c.1077A>T, p.Glu359Asp (NM_001322006.2); c.915A>T, p.Glu305Asp (NM_001322007.2, NM_001322008.2); c.672A>T, p.Glu224Asp (NM_001322010.2); c.300A>T, p.Glu100Asp (NM_001322011.2, NM_001322012.2); c.660A>T, p.Glu220Asp (NM_001322013.2); c.1233A>T, p.Glu411Asp (NM_001322014.2); c.924A>T, p.Glu308Asp (NM_001322015.2); short protein forms E411D, E100D, E220D, E359D, E305D, E224D, E276D, E308D.
Identifiers: ClinVar variation 127755 (VCV000127755.27), dbSNP rs587780040, ClinGen allele CA009369.